The following is an entry in ClinVar:

ClinVar aggregate classification (germline): Pathogenic (1 of 4 stars; one submission).

Conditions:
Hereditary cancer-predisposing syndrome. Also called: Tumor predisposition; Hereditary Cancer Syndrome; Neoplastic Syndromes, Hereditary; Hereditary neoplastic syndrome. Identifiers: Orphanet 140162, MedGen C0027672, MeSH D009386, MONDO:0015356.

Submission:

Ambry Genetics
Classification: Pathogenic for Hereditary cancer-predisposing syndrome. Last evaluated: 2022-07-06. Review status: criteria provided, single submitter. Criteria: Ambry Variant Classification Scheme 2023. Collection method: clinical testing. Allele origin: germline.
Comment: The c.2565delT pathogenic mutation, located in coding exon 4 of the MSH6 gene, results from a deletion of one nucleotide at nucleotide position 2565, causing a translational frameshift with a predicted alternate stop codon (p.I856Lfs*12). This alteration is expected to result in loss of function by premature protein truncation or nonsense-mediated mRNA decay. As such, this alteration is interpreted as a disease-causing mutation.

NM_000179.3(MSH6):c.2565del (p.Ile856fs)

Gene: MSH6 (mutS homolog 6; plus strand). Cytogenetic location: 2p16.3.
Variant type: Deletion.
Coding change: c.2565del on transcript NM_000179.3 (MANE Select); coding-DNA position 2565, one base deleted (T; older notation c.2565delT).
Protein change: p.Ile856fs; shifts the reading frame from isoleucine 856.
Molecular consequence: frameshift variant.
Genome position (GRCh38, 1-based): chr2:47,800,548, T deleted; the last of 2 consecutive T bases (chr2:47,800,547-47,800,548); deleting either gives the same sequence. VCF-style (leftmost placement, unchanged base first): chr2-47800546-AT-A. GRCh37 (hg19) VCF-style: chr2-48027685-AT-A.
Other names: c.2175del, p.Ile726fs (NM_001281492.2); c.1659del, p.Ile554fs (NM_001281493.2, NM_001281494.2); c.2661delT, p.Ile888Leufs (NM_001406795.1, NM_001406802.1); c.2565delT, p.Ile856Leufs (NM_001406796.1, NM_001406798.1, NM_001406800.1 and 2 more transcripts); c.2268delT, p.Ile757Leufs (NM_001406797.1, NM_001406801.1, NM_001406805.1 and 10 more transcripts); c.2040delT, p.Ile681Leufs (NM_001406799.1, NM_001406806.1, NM_001406807.1); c.2487delT, p.Ile830Leufs (NM_001406804.1); c.1659delT, p.Ile554Leufs (NM_001406811.1, NM_001406812.1, NM_001406814.1 and 4 more transcripts); and 2 more; short protein forms I554fs, I856fs, I726fs.
Identifiers: ClinVar variation 1793162 (VCV001793162.2), dbSNP rs760558287, ClinGen allele CA069191.
Genomic context (GRCh38, chr2:47,800,546, plus strand): 5'-CAGAACCACCCAGACAGCAGGGCTATAATGTATGAAGAAACTACATACAGCAAGAAGAAG[AT>A]TATTGATTTTCTTTCTGCTCTGGAAGGATTCAAAGTAATGTGTAAAATTATAGGGATCAT-3'